The following is an entry in ClinVar:

ClinVar aggregate classification (germline): Likely benign (0 of 4 stars; one submission).

Conditions:
VPS13B-related disorder. Also called: VPS13B-related condition.

Submission:

PreventionGenetics, part of Exact Sciences
Classification: Likely benign for VPS13B-related condition. Last evaluated: 2022-02-02. Review status: no assertion criteria provided. Collection method: clinical testing. Allele origin: germline.
Comment: This variant is classified as likely benign based on ACMG/AMP sequence variant interpretation guidelines (Richards et al. 2015 PMID: 25741868, with internal and published modifications).

NM_152564.5(VPS13B):c.6865+9C>A

Gene: VPS13B (vacuolar protein sorting 13 homolog B; plus strand). Cytogenetic location: 8q22.2.
Variant type: single nucleotide variant.
Coding change: c.6865+9C>A on transcript NM_152564.5 (MANE Select); 9 bases into the intron after coding-DNA position 6865, C replaced by A.
Molecular consequence: intron variant.
Genome position (GRCh38, 1-based): chr8:99,720,561, C>A. VCF-style: chr8-99720561-C-A. GRCh37 (hg19) VCF-style: chr8-100732789-C-A.
Other names: c.6940+9C>A (NM_017890.5).
Identifiers: ClinVar variation 3355224 (VCV003355224.1).
Genomic context (GRCh38, chr8:99,720,561, plus strand): 5'-CAAAGTTCAGATGACCTACGGACAGGTCTATTTCAGTATGTACAGGATGCTGGTAAGTAG[C>A]AACAGACTCAGTATGAGAGTGTCTCTGTGCATGTGGTTGCATTTTAAATGCATGTTGACT-3'